The following is an entry in ClinVar:

ClinVar aggregate classification (germline): Likely benign (1 of 4 stars; one submission).

Conditions:
MYH10-related disorder. Also called: MYH10-related condition.

Submission:

PreventionGenetics, part of Exact Sciences
Classification: Likely benign for MYH10-related condition. Last evaluated: 2026-03-08. Review status: criteria provided, single submitter. Criteria: ACMG Guidelines, 2015. Collection method: clinical testing. Allele origin: germline.
Comment: This variant is classified as likely benign based on ACMG/AMP sequence variant interpretation guidelines (Richards et al. 2015 PMID: 25741868, with internal and published modifications).

NM_001256012.3(MYH10):c.2976G>A (p.Glu992=)

Gene: MYH10 (myosin heavy chain 10; minus strand). Cytogenetic location: 17p13.1.
Variant type: single nucleotide variant.
Coding change: c.2976G>A on transcript NM_001256012.3 (MANE Select); coding-DNA position 2976, G replaced by A.
Protein change: p.Glu992=; no amino-acid change (glutamic acid 992 retained).
Molecular consequence: synonymous variant.
Genome position (GRCh38, 1-based): chr17:8,509,926, C>T on the plus strand (G>A on the coding strand, the complement: MYH10 is on the minus strand). VCF-style: chr17-8509926-C-T. GRCh37 (hg19) VCF-style: chr17-8413244-C-T.
Other names: c.2910G>A, p.Glu970= (NM_001256095.2); c.2913G>A, p.Glu971= (NM_001375266.1); c.2883G>A, p.Glu961= (NM_005964.5).
Identifiers: ClinVar variation 4992076 (VCV004992076.1).